The following is an entry in ClinVar:

NM_015102.5(NPHP4):c.1120-13G>T

Gene: NPHP4 (nephrocystin 4; minus strand). Cytogenetic location: 1p36.31.
Variant type: single nucleotide variant.
Coding change: c.1120-13G>T on transcript NM_015102.5 (MANE Select); 13 bases into the intron before coding-DNA position 1120, G replaced by T.
Molecular consequence: intron variant.
Genome position (GRCh38, 1-based): chr1:5,933,342, C>A on the plus strand (G>T on the coding strand, the complement: NPHP4 is on the minus strand). VCF-style: chr1-5933342-C-A. GRCh37 (hg19) VCF-style: chr1-5993402-C-A.
Other names: c.-247-13G>T (NM_001291594.2, NM_001291593.2).
Identifiers: ClinVar variation 297825 (VCV000297825.16), dbSNP rs192450719, ClinGen allele CA554619.

ClinVar aggregate classification (germline): Benign/Likely benign. Review status: criteria provided, multiple submitters, no conflicts (2 of 4 stars). 6 submissions from 5 submitters: Benign (1); Likely benign (3). 2 of the submissions do not count toward it. Last evaluated 2025-11-18.

Conditions:
Nephronophthisis. Also called: Juvenile Nephronophthisis. Identifiers: Orphanet 655, MedGen C0687120, MONDO:0019005, HP:0000090.
Senior-Loken syndrome 4 (SLSN4). Identifiers: Orphanet 3156, MedGen C1846979, MONDO:0011756, OMIM 606996.
Nephronophthisis 4 (NPHP4). Also called: NEPHRONOPHTHISIS 4, JUVENILE. Identifiers: Orphanet 655, MedGen C1847013, MONDO:0011752, OMIM 606966.

Allele frequency attached by ClinVar (database versions not stated): gnomAD exomes 0.00018 and 0.00050; gnomAD 0.00019 and 0.00034; TOPMed 0.00020; ExAC 0.00060; 1000 Genomes Project 30x 0.00312; 1000 Genomes Project 0.00319.
gnomAD v4.1: 330 of 1,608,258 alleles (0.021%); highest among the groups gnomAD compares: East Asian, 0.63%; 2 homozygotes.

Submissions (6):

Labcorp Genetics (formerly Invitae), Labcorp
Classification: Benign for Nephronophthisis. Last evaluated: 2025-11-18. Review status: criteria provided, single submitter. Criteria: Invitae Variant Classification Sherloc (09022015). Collection method: clinical testing. Allele origin: germline.

Blueprint Genetics
Classification: Likely benign. Last evaluated: 2024-10-10. Review status: criteria provided, single submitter. Criteria: ACMG Guidelines, 2015. Collection method: clinical testing. Allele origin: germline.

Illumina Laboratory Services, Illumina
Classification: Likely benign for Senior-Loken syndrome 4. Last evaluated: 2018-01-12. Review status: criteria provided, single submitter. Criteria: ICSL Variant Classification Criteria 13 December 2019. Collection method: clinical testing. Allele origin: germline.
Comment: This variant was observed in the ICSL laboratory as part of a predisposition screen in an ostensibly healthy population. It had not been previously curated by ICSL or reported in the Human Gene Mutation Database (HGMD: prior to June 1st, 2018), and was therefore a candidate for classification through an automated scoring system. Utilizing variant allele frequency, disease prevalence and penetrance estimates, and inheritance mode, an automated score was calculated to assess if this variant is too frequent to cause the disease. Based on the score and internal cut-off values, a variant classified as likely benign is not then subjected to further curation. The score for this variant resulted in a classification of likely benign for this disease.

Illumina Laboratory Services, Illumina
Classification: Likely benign for Nephronophthisis 4. Last evaluated: 2018-01-12. Review status: criteria provided, single submitter. Criteria: ICSL Variant Classification Criteria 13 December 2019. Collection method: clinical testing. Allele origin: germline.
Comment: the same text as in the submission from Illumina Laboratory Services, Illumina above.

Clinical Genetics, Academic Medical Center
Classification: Benign. Review status: no assertion criteria provided. Collection method: clinical testing. Allele origin: germline. Affected: yes. Study: VKGL Data-share Consensus. Not counted in ClinVar's aggregate classification.

Genome Diagnostics Laboratory, University Medical Center Utrecht
Classification: Likely benign. Review status: no assertion criteria provided. Collection method: clinical testing. Allele origin: germline. Affected: yes. Study: VKGL Data-share Consensus. Not counted in ClinVar's aggregate classification.